The following is an entry in ClinVar:

ClinVar aggregate classification (germline): Conflicting classifications of pathogenicity. Review status: criteria provided, conflicting classifications (1 of 4 stars). 8 submissions from 8 submitters: Uncertain significance (2); Benign (1); Likely benign (4). 1 of the submissions does not count toward it. Last evaluated 2026-06-06.

Conditions:
TMEM43-related disorder. Also called: TMEM43-related condition.
Cardiovascular phenotype. Identifiers: MedGen CN230736.
Cardiomyopathy (CMYO). Also called: Cardiomyopathies. Identifiers: Orphanet 167848, MedGen C0878544, MONDO:0004994, HP:0001638. Inheritance: Various modes of inheritance.
Arrhythmogenic right ventricular dysplasia 5. Also called: Arrhythmogenic Right Ventricular Dysplasia/Cardiomyopathy 5; ARRHYTHMOGENIC RIGHT VENTRICULAR DYSPLASIA, FAMILIAL, 5. Identifiers: MedGen C1858379, MONDO:0011459, OMIM 604400.

Allele frequency attached by ClinVar (database versions not stated): gnomAD exomes 0.00005 and 0.00019; gnomAD 0.00006 and 0.00007; TOPMed 0.00006; ExAC 0.00014; 1000 Genomes Project 30x 0.00016; 1000 Genomes Project 0.00020.
gnomAD v4.1: 85 of 1,613,624 alleles (0.0053%); highest among the groups gnomAD compares: Admixed American, 0.088%; 1 homozygote.

Submissions (8):

GeneDx
Classification: Uncertain significance. Last evaluated: 2026-06-06. Review status: criteria provided, single submitter. Criteria: GeneDx Variant Classification Process June 2021. Collection method: clinical testing. Allele origin: germline.
Comment: Reported as a variant of uncertain significance in a patient with HCM who also harbored a pathogenic variant in another cardiomyopathy-related gene (PMID: 30847666); In silico analysis supports that this missense variant has a deleterious effect on protein structure/function; This variant is associated with the following publications: (PMID: 30847666)

Labcorp Genetics (formerly Invitae), Labcorp
Classification: Likely benign for Arrhythmogenic right ventricular dysplasia 5. Last evaluated: 2025-10-20. Review status: criteria provided, single submitter. Criteria: Invitae Variant Classification Sherloc (09022015). Collection method: clinical testing. Allele origin: germline.

Blueprint Genetics
Classification: Likely benign. Last evaluated: 2024-07-18. Review status: criteria provided, single submitter. Criteria: ACMG Guidelines, 2015. Collection method: clinical testing. Allele origin: germline.

Ambry Genetics
Classification: Benign for Cardiovascular phenotype. Last evaluated: 2022-03-14. Review status: criteria provided, single submitter. Criteria: Ambry Variant Classification Scheme 2023. Collection method: clinical testing. Allele origin: germline.

Color Diagnostics, LLC DBA Color Health
Classification: Likely benign for Cardiomyopathy. Last evaluated: 2020-03-13. Review status: criteria provided, single submitter. Criteria: ACMG Guidelines, 2015. Collection method: clinical testing. Allele origin: germline.

ARUP Laboratories, Molecular Genetics and Genomics, ARUP Laboratories
Classification: Likely benign. Last evaluated: 2020-02-05. Review status: criteria provided, single submitter. Criteria: ARUP Molecular Germline Variant Investigation Process. Collection method: clinical testing. Allele origin: germline.

Athena Diagnostics
Classification: Uncertain significance. Last evaluated: 2017-02-06. Review status: criteria provided, single submitter. Criteria: Athena Diagnostics Criteria. Collection method: clinical testing. Allele origin: germline.

PreventionGenetics, part of Exact Sciences
Classification: Likely benign for TMEM43-related condition. Last evaluated: 2024-06-26. Review status: no assertion criteria provided. Collection method: clinical testing. Allele origin: germline. Not counted in ClinVar's aggregate classification.
Comment: This variant is classified as likely benign based on ACMG/AMP sequence variant interpretation guidelines (Richards et al. 2015 PMID: 25741868, with internal and published modifications).

Literature cited by the submitters: PubMed 30847666 (cited by Ambry Genetics).

NM_024334.3(TMEM43):c.802C>T (p.Arg268Trp)

Gene: TMEM43 (transmembrane protein 43; plus strand). Cytogenetic location: 3p25.1.
Variant type: single nucleotide variant.
Coding change: c.802C>T on transcript NM_024334.3 (MANE Select); coding-DNA position 802, C replaced by T.
Protein change: p.Arg268Trp; replaces arginine 268 with tryptophan.
Molecular consequence: missense variant.
Genome position (GRCh38, 1-based): chr3:14,135,828, C>T. VCF-style: chr3-14135828-C-T. GRCh37 (hg19) VCF-style: chr3-14177328-C-T.
Other names: short protein forms R268W.
Identifiers: ClinVar variation 448690 (VCV000448690.26), dbSNP rs201138253, ClinGen allele CA055598.